The following is an entry in ClinVar:

ClinVar aggregate classification (germline): Uncertain significance. Review status: criteria provided, multiple submitters, no conflicts (2 of 4 stars). 2 submissions from 2 submitters: Uncertain significance (2). Last evaluated 2025-06-11.

Conditions:
MAGEL2-related disorder. Also called: MAGEL2-related condition.

Allele frequency attached by ClinVar (database versions not stated): gnomAD 0.00001; gnomAD exomes 0.00001.

Submissions (2):

PreventionGenetics, part of Exact Sciences
Classification: Uncertain significance for MAGEL2-related condition. Last evaluated: 2025-06-11. Review status: criteria provided, single submitter. Criteria: ACMG Guidelines, 2015. Collection method: clinical testing. Allele origin: germline.
Comment: The MAGEL2 c.704C>T variant is predicted to result in the amino acid substitution p.Pro235Leu. To our knowledge, this variant has not been reported in the literature. This variant is reported in 0.0094% of alleles in individuals of East Asian descent in gnomAD. At this time, the clinical significance of this variant is uncertain due to the absence of conclusive functional and genetic evidence.

Labcorp Genetics (formerly Invitae), Labcorp
Classification: Uncertain significance. Last evaluated: 2024-07-31. Review status: criteria provided, single submitter. Criteria: Invitae Variant Classification Sherloc (09022015). Collection method: clinical testing. Allele origin: germline.
Comment: This sequence change replaces proline, which is neutral and non-polar, with leucine, which is neutral and non-polar, at codon 235 of the MAGEL2 protein (p.Pro235Leu). This variant is present in population databases (no rsID available, gnomAD 0.01%). This variant has not been reported in the literature in individuals affected with MAGEL2-related conditions. ClinVar contains an entry for this variant (Variation ID: 2634885). Experimental studies and prediction algorithms are not available or were not evaluated, and the functional significance of this variant is currently unknown. In summary, the available evidence is currently insufficient to determine the role of this variant in disease. Therefore, it has been classified as a Variant of Uncertain Significance.

NM_019066.5(MAGEL2):c.704C>T (p.Pro235Leu)

Gene: MAGEL2 (MAGE family member L2; minus strand). Cytogenetic location: 15q11.2.
Variant type: single nucleotide variant.
Coding change: c.704C>T on transcript NM_019066.5 (MANE Select); coding-DNA position 704, C replaced by T.
Protein change: p.Pro235Leu; replaces proline 235 with leucine.
Molecular consequence: missense variant.
Genome position (GRCh38, 1-based): chr15:23,647,039, G>A on the plus strand (C>T on the coding strand, the complement: MAGEL2 is on the minus strand). VCF-style: chr15-23647039-G-A. GRCh37 (hg19) VCF-style: chr15-23892186-G-A.
Other names: short protein forms P235L.
Identifiers: ClinVar variation 2634885 (VCV002634885.4), dbSNP rs1212790505, ClinGen allele CA391336687.
Genomic context (GRCh38, chr15:23,647,039, plus strand): 5'-GGAGCAGCAGGCTGGACCATCAGGACTCCCGGAGTCAGAGGCTGGGCCATCAGGACTCCC[G>A]GAGCTGGAGGCTGGGCCATCGGTGTACCCGGAGGGGGAGGATGAGCCATCGGTGTCCCCG-3'
Protein context (NP_061939.3, residues 225-245): PGTPMAQPPA[Pro235Leu]GVLMAQPLTP